The following is an entry in ClinVar:

ClinVar aggregate classification (germline): Pathogenic/Likely pathogenic. Review status: criteria provided, multiple submitters, no conflicts (2 of 4 stars). 8 submissions from 8 submitters: Pathogenic (6); Likely pathogenic (1). 1 of the submissions does not count toward it. Last evaluated 2025-11-04.

Conditions:
CCDC39-related disorder. Also called: CCDC39-related condition.
Primary ciliary dyskinesia. Also called: Ciliary dyskinesia. Identifiers: Orphanet 244, MedGen C0008780, MONDO:0016575, HP:0012265.
Primary ciliary dyskinesia 14. Also called: CILIARY DYSKINESIA, PRIMARY, 14, WITH OR WITHOUT SITUS INVERSUS. Identifiers: Orphanet 244, MedGen C3151136, MONDO:0013434, OMIM 613807.

Submissions (8):

Labcorp Genetics (formerly Invitae), Labcorp
Classification: Pathogenic for Primary ciliary dyskinesia. Last evaluated: 2025-11-04. Review status: criteria provided, single submitter. Criteria: Invitae Variant Classification Sherloc (09022015). Collection method: clinical testing. Allele origin: germline.
Comment: This sequence change creates a premature translational stop signal (p.Thr277Argfs*3) in the CCDC39 gene. It is expected to result in an absent or disrupted protein product. Loss-of-function variants in CCDC39 are known to be pathogenic (PMID: 21131972, 23255504). This variant is present in population databases (rs773801386, gnomAD 0.007%). This premature translational stop signal has been observed in individual(s) with primary ciliary dyskinesia (PMID: 2325550, 23891469). ClinVar contains an entry for this variant (Variation ID: 242176). Algorithms developed to predict the effect of sequence changes on RNA splicing suggest that this variant may disrupt the consensus splice site. For these reasons, this variant has been classified as Pathogenic.

PreventionGenetics, part of Exact Sciences
Classification: Pathogenic for CCDC39-related condition. Last evaluated: 2025-08-08. Review status: criteria provided, single submitter. Criteria: ACMG Guidelines, 2015. Collection method: clinical testing. Allele origin: germline.
Comment: The CCDC39 c.830_831delCA variant is predicted to result in a frameshift and premature protein termination (p.Thr277Argfs*3). This variant has been reported with another CCDC39 variant and in the homozygous state in individuals with primary ciliary dyskinesia (Antony et al. 2013. PubMed ID: 23255504; Table S1, Zariwala et al. 2013. PubMed ID: 23891469; Table E1, Davis et al. 2019. PubMed ID: 30067075). This variant is reported in 0.0091% of alleles in individuals of European (Non-Finnish) descent in gnomAD. Frameshift variants in CCDC39 are expected to be pathogenic. This variant is interpreted as pathogenic.

Women's Health and Genetics/Laboratory Corporation of America, LabCorp
Classification: Pathogenic for Primary ciliary dyskinesia 14. Last evaluated: 2024-08-22. Review status: criteria provided, single submitter. Criteria: LabCorp Variant Classification Summary - May 2015. Collection method: clinical testing. Allele origin: germline.
Comment: Variant summary: CCDC39 c.830_831delCA (p.Thr277ArgfsX3) results in a premature termination codon, predicted to cause a truncation of the encoded protein or absence of the protein due to nonsense mediated decay, which are commonly known mechanisms for disease. The frequency data for this variant in gnomAD is considered unreliable, as metrics indicate poor data quality at this position. c.830_831delCA has been reported in the literature in at-least one individual affected with Primary ciliary dyskinesia (example, Kim_2014). These data indicate that the variant may be associated with disease. To our knowledge, no experimental evidence demonstrating an impact on protein function has been reported. The following publication has been ascertained in the context of this evaluation (PMID: 24498942). ClinVar contains an entry for this variant (Variation ID: 242176). Based on the evidence outlined above, the variant was classified as pathogenic.

GeneDx
Classification: Pathogenic. Last evaluated: 2024-07-17. Review status: criteria provided, single submitter. Criteria: GeneDx Variant Classification Process June 2021. Collection method: clinical testing. Allele origin: germline. Affected: yes.
Comment: Observed with a pathogenic variant on the opposite allele (in trans) as well as in the homozygous state in association with primary ciliary dyskinesia in several patients in the published literature (PMID: 23891469, 23255504, 30067075); Frameshift variant predicted to result in protein truncation or nonsense mediated decay in a gene for which loss of function is a known mechanism of disease; This variant is associated with the following publications: (PMID: 24498942, 31589614, 23255504, 31879361, 30067075, 35942088, 36809189, 36593399, 23891469)

Fulgent Genetics
Classification: Pathogenic for Primary ciliary dyskinesia 14. Last evaluated: 2024-03-25. Review status: criteria provided, single submitter. Criteria: ACMG Guidelines, 2015. Collection method: clinical testing. Allele origin: germline.

Ambry Genetics
Classification: Pathogenic for Primary ciliary dyskinesia. Last evaluated: 2023-04-24. Review status: criteria provided, single submitter. Criteria: Ambry Variant Classification Scheme 2023. Collection method: clinical testing. Allele origin: germline.
Comment: The c.830_831delCA pathogenic mutation, located in coding exon 7 of the CCDC39 gene, results from a deletion of two nucleotides at nucleotide positions 830 to 831, causing a translational frameshift with a predicted alternate stop codon (p.T277Rfs*3). This mutation has been identified in the homozygous and compound heterozygous state in several individuals with primary ciliary dyskinesia (Zariwala MA et al. Am J Hum Genet, 2013 Aug;93:336-45; Antony D et al. Hum Mutat, 2013 Mar;34:462-72; Davis SD et al. Am J Respir Crit Care Med, 2019 Jan;199:190-198). In addition to the clinical data presented in the literature, yhis alteration is expected to result in loss of function by premature protein truncation or nonsense-mediated mRNA decay. As such, this alteration is interpreted as a disease-causing mutation.

Illumina Laboratory Services, Illumina
Classification: Likely pathogenic for Primary ciliary dyskinesia 14. Last evaluated: 2018-10-26. Review status: criteria provided, single submitter. Criteria: ICSL Variant Classification Criteria 09 May 2019. Collection method: clinical testing. Allele origin: germline.
Comment: The CCDC39 c.830_831delCA (p.Thr277ArgfsTer3) variant results in a frameshift and is predicted to result in premature termination of the protein. The p.Thr277ArgfsTer3 variant has been reported in three studies and was found in a total of six individuals with primary ciliary dyskinesia, including in two in a homozygous state and in four in a compound heterozygous state, although three of the compound heterozygous probands were members of the same family (Antony et al. 2013; Zariwala et al. 2013; Kim et al. 2014). The homozygous individual reported by Antony et al. (2013) also had three unaffected family members who carried the variant in a heterozygous state. Control data are unavailable for this variant. The highest reported frequency for the variant in the Exome Sequencing Project is 0.00828 in the African American population. However, this frequency is orders of magnitude higher than the highest frequency reported in the Exome Aggregation Consortium, where the p.Thr277ArgfsTer3 variant is found at a frequency of 0.00008 in the European (non-Finnish population). Due to the difficulty in calling indels, the frequency of this variant in the Exome Sequencing Project, which is inconsistent with the disease prevalence, is not considered reliable. Based on the evidence, including the potential impact of truncating frameshift variants, the p.Thr277ArgfsTer3 variant is considered to be likely pathogenic for primary ciliary dyskinesia. This variant was observed by ICSL as part of a predisposition screen in an ostensibly healthy population.

Yale Center for Mendelian Genomics, Yale University
Classification: Likely pathogenic for Primary ciliary dyskinesia. Last evaluated: 2018-08-01. Review status: no assertion criteria provided. Collection method: literature only. Allele origin: germline. Affected: yes. Observed: 3 compound heterozygotes, 1 homozygote. Study: Yale Center for Mendelian Genomics. Not counted in ClinVar's aggregate classification.

Literature cited by the submitters: PubMed 21131972 (cited by Labcorp Genetics (formerly Invitae), Labcorp); PubMed 23255504 (cited by 3 submitters); PubMed 2325550 (cited by Labcorp Genetics (formerly Invitae), Labcorp); PubMed 23891469 (cited by 3 submitters); PubMed 24498942 (cited by Women's Health and Genetics/Laboratory Corporation of America, LabCorp and Illumina Laboratory Services, Illumina); PubMed 30067075 (cited by Ambry Genetics and Yale Center for Mendelian Genomics, Yale University).

NM_181426.2(CCDC39):c.830_831del (p.Thr277fs)

Gene: CCDC39 (coiled-coil domain 39 molecular ruler complex subunit; minus strand). Cytogenetic location: 3q26.33.
Variant type: Microsatellite.
Coding change: c.830_831del on transcript NM_181426.2 (MANE Select); coding-DNA positions 830 to 831, 2 bases deleted (CA; older notation c.830_831delCA).
Protein change: p.Thr277fs; shifts the reading frame from threonine 277.
Molecular consequence: frameshift variant.
Genome position (GRCh38, 1-based): chr3:180,654,861-180,654,862, TG deleted on the plus strand (CA on the coding strand, the reverse complement: CCDC39 is on the minus strand); deleting any 2 consecutive bases within chr3:180,654,861-180,654,865 gives the same sequence; the c. name uses the placement nearest the transcript's 3' end. VCF-style (leftmost placement, unchanged base first): chr3-180654860-CTG-C. GRCh37 (hg19) VCF-style: chr3-180372648-CTG-C.
Other names: c.830_831delCA (NM_181426.2, NM_181426.1); short protein forms T277fs.
Identifiers: ClinVar variation 242176 (VCV000242176.24), dbSNP rs773801386, ClinGen allele CA2716071.